The following is an entry in ClinVar:

ClinVar aggregate classification (germline): Uncertain significance. Review status: criteria provided, multiple submitters, no conflicts (2 of 4 stars). 3 submissions from 3 submitters: Uncertain significance (3). Last evaluated 2024-06-03.

Conditions:
Prune belly syndrome. Also called: Prune belly. Identifiers: Orphanet 2970, MedGen C0033770, MONDO:0007032, OMIM 100100, HP:0004392.

Allele frequency attached by ClinVar (database versions not stated): gnomAD exomes 0.00003; ExAC 0.00013.
gnomAD v4.1: 63 of 1,602,198 alleles (0.0039%); highest among the groups gnomAD compares: East Asian, 0.098%; no homozygotes.

Submissions (3):

Fulgent Genetics
Classification: Uncertain significance for Prune belly syndrome. Last evaluated: 2024-06-03. Review status: criteria provided, single submitter. Criteria: ACMG Guidelines, 2015. Collection method: clinical testing. Allele origin: germline.

Labcorp Genetics (formerly Invitae), Labcorp
Classification: Uncertain significance. Last evaluated: 2022-03-26. Review status: criteria provided, single submitter. Criteria: Invitae Variant Classification Sherloc (09022015). Collection method: clinical testing. Allele origin: germline.
Comment: This sequence change replaces alanine, which is neutral and non-polar, with aspartic acid, which is acidic and polar, at codon 589 of the CHRM3 protein (p.Ala589Asp). This variant is present in population databases (rs201512973, gnomAD 0.2%). This variant has not been reported in the literature in individuals affected with CHRM3-related conditions. Algorithms developed to predict the effect of missense changes on protein structure and function output the following: SIFT: "Deleterious"; PolyPhen-2: "Benign"; Align-GVGD: "Class C0". The aspartic acid amino acid residue is found in multiple mammalian species, which suggests that this missense change does not adversely affect protein function. In summary, the available evidence is currently insufficient to determine the role of this variant in disease. Therefore, it has been classified as a Variant of Uncertain Significance.

Ambry Genetics
Classification: Uncertain significance. Last evaluated: 2021-09-09. Review status: criteria provided, single submitter. Criteria: Ambry Variant Classification Scheme 2023. Collection method: clinical testing. Allele origin: germline.

NM_001375978.1(CHRM3):c.1766C>A (p.Ala589Asp)

Gene: CHRM3 (cholinergic receptor muscarinic 3; plus strand). Cytogenetic location: 1q43.
Variant type: single nucleotide variant.
Coding change: c.1766C>A on transcript NM_001375978.1 (MANE Select); coding-DNA position 1766, C replaced by A.
Protein change: p.Ala589Asp; replaces alanine 589 with aspartic acid.
Molecular consequence: missense variant.
Genome position (GRCh38, 1-based): chr1:239,909,217, C>A. VCF-style: chr1-239909217-C-A. GRCh37 (hg19) VCF-style: chr1-240072517-C-A.
Other names: c.1766C>A (NM_000740.3, NM_000740.2); c.1766C>A, p.Ala589Asp (NM_000740.4, NM_001347716.2, NM_001375979.1 and 6 more transcripts); short protein forms A589D.
Identifiers: ClinVar variation 2139792 (VCV002139792.3), dbSNP rs201512973, ClinGen allele CA1475988.